The following is an entry in ClinVar:

ClinVar aggregate classification (germline): Uncertain significance. Review status: criteria provided, multiple submitters, no conflicts (2 of 4 stars). 2 submissions from 2 submitters: Uncertain significance (2). Last evaluated 2024-06-04.

Conditions:
Hypertrophic cardiomyopathy. Also called: HYPERTROPHIC MYOCARDIOPATHY. Identifiers: Orphanet 217569, MedGen C0007194, MeSH D002312, MONDO:0005045, HP:0001639.
Cardiovascular phenotype. Identifiers: MedGen CN230736.

Allele frequency attached by ClinVar (database versions not stated): gnomAD 0.00001; ExAC 0.00005; TOPMed 0.00005; gnomAD exomes 0.00006.

Submissions (2):

Labcorp Genetics (formerly Invitae), Labcorp
Classification: Uncertain significance for Hypertrophic cardiomyopathy. Last evaluated: 2024-06-04. Review status: criteria provided, single submitter. Criteria: Invitae Variant Classification Sherloc (09022015). Collection method: clinical testing. Allele origin: germline.
Comment: This sequence change replaces alanine, which is neutral and non-polar, with serine, which is neutral and polar, at codon 423 of the JPH2 protein (p.Ala423Ser). This variant is present in population databases (rs753716480, gnomAD 0.07%), and has an allele count higher than expected for a pathogenic variant. This variant has not been reported in the literature in individuals affected with JPH2-related conditions. ClinVar contains an entry for this variant (Variation ID: 578047). Algorithms developed to predict the effect of missense changes on protein structure and function output the following: SIFT: "Not Available"; PolyPhen-2: "Benign"; Align-GVGD: "Not Available". The serine amino acid residue is found in multiple mammalian species, which suggests that this missense change does not adversely affect protein function. In summary, the available evidence is currently insufficient to determine the role of this variant in disease. Therefore, it has been classified as a Variant of Uncertain Significance.

Ambry Genetics
Classification: Uncertain significance for Cardiovascular phenotype. Last evaluated: 2023-10-23. Review status: criteria provided, single submitter. Criteria: Ambry Variant Classification Scheme 2023. Collection method: clinical testing. Allele origin: germline.
Comment: The p.A423S variant (also known as c.1267G>T), located in coding exon 3 of the JPH2 gene, results from a G to T substitution at nucleotide position 1267. The alanine at codon 423 is replaced by serine, an amino acid with similar properties. This amino acid position is not well conserved in available vertebrate species, and serine is the reference amino acid in other vertebrate species. In addition, this alteration is predicted to be tolerated by in silico analysis. Since supporting evidence is limited at this time, the clinical significance of this alteration remains unclear.

NM_020433.5(JPH2):c.1267G>T (p.Ala423Ser)

Gene: JPH2 (junctophilin 2; minus strand). Cytogenetic location: 20q13.12.
Variant type: single nucleotide variant.
Coding change: c.1267G>T on transcript NM_020433.5 (MANE Select); coding-DNA position 1267, G replaced by T.
Protein change: p.Ala423Ser; replaces alanine 423 with serine.
Molecular consequence: missense variant.
Genome position (GRCh38, 1-based): chr20:44,118,526, C>A on the plus strand (G>T on the coding strand, the complement: JPH2 is on the minus strand). VCF-style: chr20-44118526-C-A. GRCh37 (hg19) VCF-style: chr20-42747166-C-A.
Other names: short protein forms A423S.
Identifiers: ClinVar variation 578047 (VCV000578047.12), dbSNP rs753716480, ClinGen allele CA9868691.
Genomic context (GRCh38, chr20:44,118,526, plus strand): 5'-ATAGCCCTACCCTGCCCATCCTTCCCTGGCTGGCCCTACCTGGCTGGTAGAAGTCCGGAG[C>A]CAGCTCCCTGGCCAAAGTGCGAGCAATGTTGGACTCCTGGTTGGCAGCCAGGGCGGCCTG-3'
Protein context (NP_065166.2, residues 413-433): NIARTLAREL[Ala423Ser]PDFYQPGPEY